The following is an entry in ClinVar:

ClinVar aggregate classification (germline): Conflicting classifications of pathogenicity. Review status: criteria provided, conflicting classifications (1 of 4 stars). 3 submissions from 3 submitters: Uncertain significance (1); Likely benign (1). 1 of the submissions does not count toward it. Last evaluated 2022-02-24.

Conditions:
Autosomal recessive nonsyndromic hearing loss 29. Identifiers: Orphanet 90636, MedGen C3279660, MONDO:0013537, OMIM 614035.

Allele frequency attached by ClinVar (database versions not stated): gnomAD 0.00001; gnomAD exomes 0.00001; TOPMed 0.00001.
gnomAD v4.1: 16 of 1,553,328 alleles (0.001%); highest among the groups gnomAD compares: Admixed American, 0.0019%; no homozygotes.

Submissions (3):

Labcorp Genetics (formerly Invitae), Labcorp
Classification: Likely benign. Last evaluated: 2022-02-24. Review status: criteria provided, single submitter. Criteria: Invitae Variant Classification Sherloc (09022015). Collection method: clinical testing. Allele origin: germline.

Illumina Laboratory Services, Illumina
Classification: Uncertain significance for Autosomal recessive nonsyndromic hearing loss 29. Last evaluated: 2017-04-27. Review status: criteria provided, single submitter. Criteria: ICSL Variant Classification Criteria 13 December 2019. Collection method: clinical testing. Allele origin: germline.

Martin Pollak Laboratory,  Beth Israel Deaconess Medical Center
Classification: Uncertain significance. Review status: no assertion criteria provided. Collection method: not provided. Allele origin: unknown. Not counted in ClinVar's aggregate classification.
Comment: Lower UCa2+ group
ClinVar note: Converted during submission from unknown to Uncertain significance.

NM_001146079.2(CLDN14):c.18G>A (p.Val6=)

Genes: CLDN14-AS1 (CLDN14 antisense RNA 1; plus strand), CLDN14 (claudin 14; minus strand). Cytogenetic location: 21q22.13.
Variant type: single nucleotide variant.
Coding change: c.18G>A on transcript NM_001146079.2 (MANE Select); coding-DNA position 18, G replaced by A.
Protein change: p.Val6=; no amino-acid change (valine 6 retained).
Molecular consequence: synonymous variant.
Genome position (GRCh38, 1-based): chr21:36,461,678, C>T on the plus strand (G>A on the coding strand, the complement: CLDN14 is on the minus strand). VCF-style: chr21-36461678-C-T. GRCh37 (hg19) VCF-style: chr21-37833976-C-T.
Other names: c.18G>A, p.Val6= (NM_001146077.2, NM_001146078.3, NM_012130.4 and 1 more transcripts).
Identifiers: ClinVar variation 64487 (VCV000064487.10), dbSNP rs387907417, ClinGen allele CA216252.
Genomic context (GRCh38, chr21:36,461,678, plus strand): 5'-GATGGTGGTGATCAACGTGCCCACCATGCCCAGGAAGCTGAGCAGGAAGCCCAGAAGCTG[C>T]ACGGCCGTGCTGGCCATGGTGCGGCTGCCTGCCTAGGCCAGCCGGGCAGCTCCCTGGGCC-3'
Protein context (NP_001139551.1, residues 1-16): MASTA[Val6=]QLLGFLLSFL